The following is an entry in ClinVar:

NM_016121.5(KCTD3):c.770G>A (p.Ser257Asn)

Gene: KCTD3 (potassium channel tetramerization domain containing 3; plus strand). Cytogenetic location: 1q41.
Variant type: single nucleotide variant.
Coding change: c.770G>A on transcript NM_016121.5 (MANE Select); coding-DNA position 770, G replaced by A.
Protein change: p.Ser257Asn; replaces serine 257 with asparagine.
Molecular consequence: missense variant.
Genome position (GRCh38, 1-based): chr1:215,586,638, G>A. VCF-style: chr1-215586638-G-A. GRCh37 (hg19) VCF-style: chr1-215759981-G-A.
Other names: c.770G>A, p.Ser257Asn (NM_001319294.2); c.464G>A, p.Ser155Asn (NM_001319295.2); c.770G>A (NM_016121.4); short protein forms S257N, S155N.
Identifiers: ClinVar variation 2218789 (VCV002218789.5), dbSNP rs145226766, ClinGen allele CA1392229.

ClinVar aggregate classification (germline): Likely benign. Review status: criteria provided, multiple submitters, no conflicts (2 of 4 stars). 3 submissions from 3 submitters: Likely benign (2). 1 of the submissions does not count toward it. Last evaluated 2024-11-23.

Conditions:
KCTD3-related disorder. Also called: KCTD3-related condition.
Inborn genetic diseases. Identifiers: MedGen C0950123, MeSH D030342.

Allele frequency attached by ClinVar (database versions not stated): 1000 Genomes Project 0.00020; 1000 Genomes Project 30x 0.00031; TOPMed 0.00119; ExAC 0.00160; gnomAD 0.00160; ESP Exome Variant Server 0.00169; gnomAD exomes 0.00190.
gnomAD v4.1: 2,980 of 1,614,064 alleles (0.18%); highest among the groups gnomAD compares: Non-Finnish European, 0.21%; 5 homozygotes.

Submissions (3):

Blueprint Genetics
Classification: Likely benign. Last evaluated: 2024-11-23. Review status: criteria provided, single submitter. Criteria: ACMG Guidelines, 2015. Collection method: clinical testing. Allele origin: germline.

Ambry Genetics
Classification: Likely benign for Inborn genetic diseases. Last evaluated: 2021-09-27. Review status: criteria provided, single submitter. Criteria: Ambry Variant Classification Scheme 2023. Collection method: clinical testing. Allele origin: germline.

PreventionGenetics, part of Exact Sciences
Classification: Likely benign for KCTD3-related condition. Last evaluated: 2024-08-26. Review status: no assertion criteria provided. Collection method: clinical testing. Allele origin: germline. Not counted in ClinVar's aggregate classification.
Comment: This variant is classified as likely benign based on ACMG/AMP sequence variant interpretation guidelines (Richards et al. 2015 PMID: 25741868, with internal and published modifications).